The following is an entry in ClinVar:

NM_052845.4(MMAB):c.275T>G (p.Leu92Ter)

Gene: MMAB (metabolism of cobalamin associated B; minus strand). Cytogenetic location: 12q24.11.
Variant type: single nucleotide variant.
Coding change: c.275T>G on transcript NM_052845.4 (MANE Select); coding-DNA position 275, T replaced by G.
Protein change: p.Leu92Ter; replaces leucine 92 with a stop codon.
Molecular consequence: nonsense. On other transcripts: non-coding transcript variant (1).
Genome position (GRCh38, 1-based): chr12:109,568,785, A>C on the plus strand (T>G on the coding strand, the complement: MMAB is on the minus strand). VCF-style: chr12-109568785-A-C. GRCh37 (hg19) VCF-style: chr12-110006590-A-C.
Other names: short protein forms L92*.
Identifiers: ClinVar variation 5004468 (VCV005004468.1).

ClinVar aggregate classification (germline): Pathogenic (1 of 4 stars; one submission).

Conditions:
Methylmalonic aciduria, cblB type (MACB). Also called: Vitamin B12-responsive methylmalonic acidemia type cblB; METHYLMALONIC ACIDURIA, VITAMIN B12-RESPONSIVE, DUE TO DEFECT IN SYNTHESIS OF ADENOSYLCOBALAMIN, cblB TYPE; Methylmalonic acidemia cblB type. Identifiers: Orphanet 28, Orphanet 79311, MedGen C1855102, MONDO:0009614, OMIM 251110.

Submission:

Myriad Genetics, Inc.
Classification: Pathogenic for Methylmalonic aciduria, cblB type. Last evaluated: 2026-02-12. Review status: criteria provided, single submitter. Criteria: Myriad Autosomal Dominant, Autosomal Recessive and X-Linked Classification Criteria (2023). Collection method: clinical testing. Allele origin: unknown.
Comment: NM_052845.3(MMAB):c.275T>G(L92*) is a nonsense variant classified as pathogenic in the context of methylmalonic acidemia, cblB type. L92* has not been observed in cases with relevant disease. Relevant functional assessments of this variant are not available in the literature. L92* has not been observed in referenced population frequency databases. In summary, NM_052845.3(MMAB):c.275T>G(L92*) is a nonsense variant in a gene where loss of function is a known mechanism of disease and is predicted to disrupt protein function. Please note: this variant was assessed in the context of healthy population screening.